The following is an entry in ClinVar:

NM_052876.4(NACC1):c.1304G>A (p.Arg435His)

Gene: NACC1 (nucleus accumbens associated 1; plus strand). Cytogenetic location: 19p13.13.
Variant type: single nucleotide variant.
Coding change: c.1304G>A on transcript NM_052876.4 (MANE Select); coding-DNA position 1304, G replaced by A.
Protein change: p.Arg435His; replaces arginine 435 with histidine.
Molecular consequence: missense variant.
Genome position (GRCh38, 1-based): chr19:13,137,555, G>A. VCF-style: chr19-13137555-G-A. GRCh37 (hg19) VCF-style: chr19-13248369-G-A.
Other names: c.1304G>A (NM_052876.3); short protein forms R435H.
Identifiers: ClinVar variation 1512454 (VCV001512454.9), dbSNP rs2145625752, ClinGen allele CA404329730.

ClinVar aggregate classification (germline): Conflicting classifications of pathogenicity. Review status: criteria provided, conflicting classifications (1 of 4 stars). 2 submissions from 2 submitters: Likely pathogenic (1); Uncertain significance (1). Last evaluated 2025-04-07.

Submissions (2):

GeneDx
Classification: Uncertain significance. Last evaluated: 2025-04-07. Review status: criteria provided, single submitter. Criteria: GeneDx Variant Classification Process June 2021. Collection method: clinical testing. Allele origin: germline. Affected: yes.
Comment: Not observed at significant frequency in large population cohorts (gnomAD); In silico analysis indicates that this missense variant does not alter protein structure/function; Has not been previously published as pathogenic or benign to our knowledge

Labcorp Genetics (formerly Invitae), Labcorp
Classification: Likely pathogenic. Last evaluated: 2022-05-10. Review status: criteria provided, single submitter. Criteria: Invitae Variant Classification Sherloc (09022015). Collection method: clinical testing. Allele origin: germline.
Comment: In summary, the currently available evidence indicates that the variant is pathogenic, but additional data are needed to prove that conclusively. Therefore, this variant has been classified as Likely Pathogenic. Algorithms developed to predict the effect of missense changes on protein structure and function are either unavailable or do not agree on the potential impact of this missense change (SIFT: "Deleterious"; PolyPhen-2: "Benign"; Align-GVGD: "Class C0"). This missense change has been observed in individual(s) with clinical features of NACC1-related conditions (Invitae). In at least one individual the variant was observed to be de novo. This variant is not present in population databases (gnomAD no frequency). This sequence change replaces arginine, which is basic and polar, with histidine, which is basic and polar, at codon 435 of the NACC1 protein (p.Arg435His).